The following is an entry in ClinVar:

ClinVar aggregate classification (germline): Uncertain significance. Review status: criteria provided, multiple submitters, no conflicts (2 of 4 stars). 4 submissions from 4 submitters: Uncertain significance (4). Last evaluated 2025-09-02.

Conditions:
Hereditary cancer-predisposing syndrome. Also called: Neoplastic Syndromes, Hereditary; Tumor predisposition; Hereditary Cancer Syndrome; Hereditary neoplastic syndrome. Identifiers: Orphanet 140162, MedGen C0027672, MeSH D009386, MONDO:0015356.
Oligodontia-cancer predisposition syndrome. Also called: TOOTH AGENESIS-COLORECTAL CANCER SYNDROME. Identifiers: Orphanet 300576, MedGen C1837750, MONDO:0012075, OMIM 608615. Disease mechanism: loss of function.
Colorectal cancer. Also called: Colorectal cancer, somatic; Malignant Colorectal Neoplasm. Identifiers: MedGen C0346629, MONDO:0005575, OMIM 114500.

Allele frequency attached by ClinVar (database versions not stated): gnomAD exomes below 0.00001.
gnomAD v4.1: 2 of 1,613,812 alleles (0.00012%); highest among the groups gnomAD compares: Middle Eastern, 0.017%; no homozygotes.

Submissions (4):

Labcorp Genetics (formerly Invitae), Labcorp
Classification: Uncertain significance for Oligodontia-cancer predisposition syndrome. Last evaluated: 2025-09-02. Review status: criteria provided, single submitter. Criteria: Invitae Variant Classification Sherloc (09022015). Collection method: clinical testing. Allele origin: germline.
Comment: This sequence change replaces proline, which is neutral and non-polar, with alanine, which is neutral and non-polar, at codon 683 of the AXIN2 protein (p.Pro683Ala). This variant is not present in population databases (gnomAD no frequency). This variant has not been reported in the literature in individuals affected with AXIN2-related conditions. ClinVar contains an entry for this variant (Variation ID: 653576). Invitae Evidence Modeling of protein sequence and biophysical properties (such as structural, functional, and spatial information, amino acid conservation, physicochemical variation, residue mobility, and thermodynamic stability) indicates that this missense variant is expected to disrupt AXIN2 protein function with a positive predictive value of 80%. In summary, the available evidence is currently insufficient to determine the role of this variant in disease. Therefore, it has been classified as a Variant of Uncertain Significance.

Ambry Genetics
Classification: Uncertain significance for Hereditary cancer-predisposing syndrome. Last evaluated: 2024-02-16. Review status: criteria provided, single submitter. Criteria: Ambry Variant Classification Scheme 2023. Collection method: clinical testing. Allele origin: germline.
Comment: The p.P683A variant (also known as c.2047C>G), located in coding exon 7 of the AXIN2 gene, results from a C to G substitution at nucleotide position 2047. The proline at codon 683 is replaced by alanine, an amino acid with highly similar properties. This amino acid position is well conserved in available vertebrate species. In addition, the in silico prediction for this alteration is inconclusive. Based on the available evidence, the clinical significance of this alteration remains unclear.

Baylor Genetics
Classification: Uncertain significance for Colorectal cancer. Last evaluated: 2023-05-30. Review status: criteria provided, single submitter. Criteria: ACMG Guidelines, 2015. Collection method: clinical testing. Allele origin: unknown.

GeneDx
Classification: Uncertain significance. Last evaluated: 2022-10-10. Review status: criteria provided, single submitter. Criteria: GeneDx Variant Classification Process June 2021. Collection method: clinical testing. Allele origin: germline. Affected: yes.
Comment: Not observed in large population cohorts (gnomAD); In silico analysis supports that this missense variant has a deleterious effect on protein structure/function; Has not been previously published as pathogenic or benign to our knowledge

NM_004655.4(AXIN2):c.2047C>G (p.Pro683Ala)

Gene: AXIN2 (axin 2; minus strand). Cytogenetic location: 17q24.1.
Variant type: single nucleotide variant.
Coding change: c.2047C>G on transcript NM_004655.4 (MANE Select); coding-DNA position 2047, C replaced by G.
Protein change: p.Pro683Ala; replaces proline 683 with alanine.
Molecular consequence: missense variant.
Genome position (GRCh38, 1-based): chr17:65,536,414, G>C on the plus strand (C>G on the coding strand, the complement: AXIN2 is on the minus strand). VCF-style: chr17-65536414-G-C. GRCh37 (hg19) VCF-style: chr17-63532532-G-C.
Other names: c.2047C>G (LRG_296t1); c.1852C>G, p.Pro618Ala (NM_001363813.1); short protein forms P618A, P683A.
Identifiers: ClinVar variation 653576 (VCV000653576.16), dbSNP rs1598096797, ClinGen allele CA400676092.